The following is an entry in ClinVar:

NM_003640.5(ELP1):c.392dup (p.Thr132fs)

Gene: ELP1 (elongator acetyltransferase complex subunit 1; minus strand). Cytogenetic location: 9q31.3.
Variant type: Duplication.
Coding change: c.392dup on transcript NM_003640.5 (MANE Select); coding-DNA position 392, one base duplicated (A; older notation c.392dupA).
Protein change: p.Thr132fs; shifts the reading frame from threonine 132.
Molecular consequence: frameshift variant. On other transcripts: 5 prime UTR variant (1).
Genome position (GRCh38, 1-based): chr9:108,926,597, T duplicated on the plus strand (A on the coding strand, the reverse complement: ELP1 is on the minus strand). VCF-style (leftmost placement, unchanged base first): chr9-108926596-C-CT. GRCh37 (hg19) VCF-style: chr9-111688876-C-CT.
Other names: c.50dup, p.Thr18fs (NM_001318360.2); c.-468dup (NM_001330749.2); short protein forms T132fs, T18fs.
Identifiers: ClinVar variation 4067312 (VCV004067312.2).
Genomic context (GRCh38, chr9:108,926,596, plus strand): 5'-ATCCTGATGGATCTGCTGCTCCAGGATTGGCTCAAAATCTTTTGTCATCATAATCAGGGT[C>CT]TGTTGACCTTAGAGAAACACAAACAAAAATGATTTTGTTTTCATGTAACAAATTTGCCAT-3'

ClinVar aggregate classification (germline): Likely pathogenic (1 of 4 stars; one submission).

Conditions:
Familial dysautonomia. Also called: FD; HSAN III. Identifiers: Orphanet 1764, MedGen C0013364, MONDO:0009131, OMIM 223900. Disease mechanism: loss of function.

Submission:

Natera, Inc.
Classification: Likely pathogenic for Familial dysautonomia. Last evaluated: 2025-02-10. Review status: criteria provided, single submitter. Criteria: Natera Variant Classification Schema (03/2026). Collection method: clinical testing. Allele origin: germline.
Comment: The c.392dup variant in ELP1 is a frameshift variant predicted to shift the reading frame beginning at codon 132 and leads to a stop codon 10 codons downstream. This variant is expected to result in nonsense mediated decay, truncation, or a dysfunctional protein product. This variant is rare in the general population with a frequency below the threshold expected for the associated phenotype(s). Given the available evidence, this variant is classified as Likely Pathogenic.